The following is an entry in ClinVar:

ClinVar aggregate classification (germline): Uncertain significance (1 of 4 stars; one submission).

Conditions:
Early-infantile DEE. Also called: Ohtahara syndrome; Early infantile epileptic encephalopathy with suppression bursts; Early infantile epileptic encephalopathy. Identifiers: Orphanet 1934, MedGen C0393706, MONDO:0800491.

Submission:

Labcorp Genetics (formerly Invitae), Labcorp
Classification: Uncertain significance for Early-infantile DEE. Last evaluated: 2020-08-22. Review status: criteria provided, single submitter. Criteria: Invitae Variant Classification Sherloc (09022015). Collection method: clinical testing. Allele origin: germline.
Comment: This sequence change replaces threonine with isoleucine at codon 854 of the KCNH5 protein (p.Thr854Ile). The threonine residue is weakly conserved and there is a moderate physicochemical difference between threonine and isoleucine. This variant is not present in population databases (ExAC no frequency). This variant has not been reported in the literature in individuals with KCNH5-related conditions. Advanced modeling of protein sequence and biophysical properties (such as structural, functional, and spatial information, amino acid conservation, physicochemical variation, residue mobility, and thermodynamic stability) performed at Invitae indicates that this missense variant is not expected to disrupt KCNH5 protein function. In summary, the available evidence is currently insufficient to determine the role of this variant in disease. Therefore, it has been classified as a Variant of Uncertain Significance.

NM_139318.5(KCNH5):c.2561C>T (p.Thr854Ile)

Gene: KCNH5 (potassium voltage-gated channel subfamily H member 5; minus strand). Cytogenetic location: 14q23.2.
Variant type: single nucleotide variant.
Coding change: c.2561C>T on transcript NM_139318.5 (MANE Select); coding-DNA position 2561, C replaced by T.
Protein change: p.Thr854Ile; replaces threonine 854 with isoleucine.
Molecular consequence: missense variant. On other transcripts: 3 prime UTR variant (1).
Genome position (GRCh38, 1-based): chr14:62,707,914, G>A on the plus strand (C>T on the coding strand, the complement: KCNH5 is on the minus strand). VCF-style: chr14-62707914-G-A. GRCh37 (hg19) VCF-style: chr14-63174632-G-A.
Other names: c.*528C>T (NM_172375.3); short protein forms T854I.
Identifiers: ClinVar variation 1052180 (VCV001052180.10), dbSNP rs2139898851, ClinGen allele CA390100327.